The following is an entry in ClinVar:

NM_000053.4(ATP7B):c.1065G>C (p.Gln355His)

Gene: ATP7B (ATPase copper transporting beta; minus strand). Cytogenetic location: 13q14.3.
Variant type: single nucleotide variant.
Coding change: c.1065G>C on transcript NM_000053.4 (MANE Select); coding-DNA position 1065, G replaced by C.
Protein change: p.Gln355His; replaces glutamine 355 with histidine.
Molecular consequence: missense variant. On other transcripts: intron variant (2).
Genome position (GRCh38, 1-based): chr13:51,974,155, C>G on the plus strand (G>C on the coding strand, the complement: ATP7B is on the minus strand). VCF-style: chr13-51974155-C-G. GRCh37 (hg19) VCF-style: chr13-52548291-C-G.
Other names: c.1065G>C, p.Gln355His (NM_001005918.3, NM_001330578.2, NM_001330579.2 and 29 more transcripts); c.969G>C, p.Gln323His (NM_001406517.1, NM_001406518.1, NM_001406543.1 and 3 more transcripts); c.803-71G>C (NM_001243182.2); c.707-71G>C (NM_001406539.1); short protein forms Q323H, Q355H.
Identifiers: ClinVar variation 2883196 (VCV002883196.4), dbSNP rs1951986080, ClinGen allele CA388039232.
Genomic context (GRCh38, chr13:51,974,155, plus strand): 5'-ATGGACACAGGATGCACAGGTCATGCCGGCAATGGCAATCAGAGTGGTACTGCATGTGCC[C>G]TGGACCTGGTTTCTCGGTGGGGAGCCAGGGGAATGAGAACTGGAAGACCTGTGATCTGTC-3'
Protein context (NP_000044.2, residues 345-365): SPGSPPRNQV[Gln355His]GTCSTTLIAI

ClinVar aggregate classification (germline): Uncertain significance. Review status: criteria provided, multiple submitters, no conflicts (2 of 4 stars). 2 submissions from 2 submitters: Uncertain significance (2). Last evaluated 2025-09-21.

Conditions:
Wilson disease (WND). Also called: Wilson's disease. Identifiers: Orphanet 905, MedGen C0019202, MONDO:0010200, OMIM 277900. Disease mechanism: loss of function.

Allele frequency attached by ClinVar (database versions not stated): TOPMed below 0.00001.

Submissions (2):

Dasa
Classification: Uncertain significance. Last evaluated: 2025-09-21. Review status: criteria provided, single submitter. Criteria: DASA Assertion Criteria. Collection method: clinical testing. Allele origin: germline.
Comment: NM_000053.4(ATP7B):c.1065G>C (p.Gln355His) is a missense variant that results in the substitution of glutamine with histidine. This variant is absent from population databases. Computational prediction algorithms are consistent with a benign effect. The currently available literature and clinical evidence are not sufficient to establish a definitive association between this variant and the reported condition. Therefore, this variant is classified as a variant of uncertain significance.

Labcorp Genetics (formerly Invitae), Labcorp
Classification: Uncertain significance for Wilson disease. Last evaluated: 2023-04-20. Review status: criteria provided, single submitter. Criteria: Invitae Variant Classification Sherloc (09022015). Collection method: clinical testing. Allele origin: germline.
Comment: This sequence change replaces glutamine, which is neutral and polar, with histidine, which is basic and polar, at codon 355 of the ATP7B protein (p.Gln355His). This variant is not present in population databases (gnomAD no frequency). This variant has not been reported in the literature in individuals affected with ATP7B-related conditions. Advanced modeling of protein sequence and biophysical properties (such as structural, functional, and spatial information, amino acid conservation, physicochemical variation, residue mobility, and thermodynamic stability) performed at Invitae indicates that this missense variant is not expected to disrupt ATP7B protein function. In summary, the available evidence is currently insufficient to determine the role of this variant in disease. Therefore, it has been classified as a Variant of Uncertain Significance.